The following is an entry in ClinVar:

NM_006623.4(PHGDH):c.138+6G>T

Gene: PHGDH (phosphoglycerate dehydrogenase; plus strand). Cytogenetic location: 1p12.
Variant type: single nucleotide variant.
Coding change: c.138+6G>T on transcript NM_006623.4 (MANE Select); 6 bases into the intron after coding-DNA position 138, G replaced by T.
Molecular consequence: intron variant.
Genome position (GRCh38, 1-based): chr1:119,712,166, G>T. VCF-style: chr1-119712166-G-T. GRCh37 (hg19) VCF-style: chr1-120254789-G-T.
Identifiers: ClinVar variation 2074398 (VCV002074398.4), dbSNP rs936617510, ClinGen allele CA30240777.
Genomic context (GRCh38, chr1:119,712,166, plus strand): 5'-GCAGGTGGTGGAAAAGCAGAACCTTAGCAAAGAGGAGCTGATAGCGGAGCTGCAGGTAAG[G>T]CGAGAGAGAGAAAATTGAGGTCTCTAGGGCAACCTCCATGGAAAAAGGCTGGCTGCGCCC-3'

ClinVar aggregate classification (germline): Uncertain significance (1 of 4 stars; one submission).

Conditions:
PHGDH deficiency. Identifiers: Orphanet 79351, MedGen C1866174, MONDO:0011152, OMIM 601815.

Allele frequency attached by ClinVar (database versions not stated): TOPMed below 0.00001; gnomAD 0.00001; gnomAD exomes 0.00001.
gnomAD v4.1: 6 of 1,613,550 alleles (0.00037%); highest among the groups gnomAD compares: Non-Finnish European, 0.00051%; no homozygotes.

Submission:

Labcorp Genetics (formerly Invitae), Labcorp
Classification: Uncertain significance for PHGDH deficiency. Last evaluated: 2022-11-08. Review status: criteria provided, single submitter. Criteria: Invitae Variant Classification Sherloc (09022015). Collection method: clinical testing. Allele origin: germline.
Comment: In summary, the available evidence is currently insufficient to determine the role of this variant in disease. Therefore, it has been classified as a Variant of Uncertain Significance. Variants that disrupt the consensus splice site are a relatively common cause of aberrant splicing (PMID: 17576681, 9536098). Algorithms developed to predict the effect of sequence changes on RNA splicing suggest that this variant is not likely to affect RNA splicing. This variant has not been reported in the literature in individuals affected with PHGDH-related conditions. This variant is not present in population databases (gnomAD no frequency). This sequence change falls in intron 1 of the PHGDH gene. It does not directly change the encoded amino acid sequence of the PHGDH protein. It affects a nucleotide within the consensus splice site.

Literature cited by the submitters: PubMed 17576681; PubMed 9536098.